The following is an entry in ClinVar:

ClinVar aggregate classification (germline): Benign. Review status: criteria provided, multiple submitters, no conflicts (2 of 4 stars). 5 submissions from 5 submitters: Benign (5). Last evaluated 2026-02-04.

Conditions:
Charcot-Marie-Tooth disease type 4. Also called: Charcot-Marie-Tooth disease, type IV; Charcot-Marie-Tooth, Type 4. Identifiers: Orphanet 64749, MedGen C4082197, MONDO:0018995.
Charcot-Marie-Tooth disease. Also called: Charcot-Marie-Tooth Hereditary Neuropathy; Charcot-Marie-Tooth Neuropathy. Identifiers: Orphanet 166, MedGen C0007959, MONDO:0015626.
Charcot-Marie-Tooth disease type 4B2. Also called: CHARCOT-MARIE-TOOTH DISEASE, DEMYELINATING, TYPE 4B2; CHARCOT-MARIE-TOOTH DISEASE, WITH FOCALLY FOLDED MYELIN SHEATHS, AUTOSOMAL RECESSIVE, TYPE 4B2; Charcot-Marie-Tooth Neuropathy Type 4B2; CMT 4B2. Identifiers: Orphanet 99956, MedGen C1858278, MONDO:0011475, OMIM 604563.

Allele frequency attached by ClinVar (database versions not stated): ESP Exome Variant Server 0.01709; gnomAD exomes 0.01760 and 0.04445; gnomAD 0.03044 and 0.03363; TOPMed 0.04006; ExAC 0.04250; 1000 Genomes Project 30x 0.09900; 1000 Genomes Project 0.10244.
gnomAD v4.1: 31,236 of 1,608,684 alleles (1.9%); highest among the groups gnomAD compares: East Asian, 32%; 2,819 homozygotes.

Submissions (5):

Labcorp Genetics (formerly Invitae), Labcorp
Classification: Benign for Charcot-Marie-Tooth disease type 4. Last evaluated: 2026-02-04. Review status: criteria provided, single submitter. Criteria: Invitae Variant Classification Sherloc (09022015). Collection method: clinical testing. Allele origin: germline.

Illumina Laboratory Services, Illumina
Classification: Benign for Charcot-Marie-Tooth disease type 4B2. Last evaluated: 2018-01-12. Review status: criteria provided, single submitter. Criteria: ICSL Variant Classification Criteria 13 December 2019. Collection method: clinical testing. Allele origin: germline.
Comment: This variant was observed in the ICSL laboratory as part of a predisposition screen in an ostensibly healthy population. It had not been previously curated by ICSL or reported in the Human Gene Mutation Database (HGMD: prior to June 1st, 2018), and was therefore a candidate for classification through an automated scoring system. Utilizing variant allele frequency, disease prevalence and penetrance estimates, and inheritance mode, an automated score was calculated to assess if this variant is too frequent to cause the disease. Based on the score and internal cut-off values, a variant classified as benign is not then subjected to further curation. The score for this variant resulted in a classification of benign for this disease.

GeneDx
Classification: Benign. Last evaluated: 2014-06-05. Review status: criteria provided, single submitter. Criteria: GeneDx Variant Classification (06012015). Collection method: clinical testing. Allele origin: germline. Affected: yes.
Comment: This variant is considered likely benign or benign based on one or more of the following criteria: it is a conservative change, it occurs at a poorly conserved position in the protein, it is predicted to be benign by multiple in silico algorithms, and/or has population frequency not consistent with disease.

Breakthrough Genomics
Classification: Benign. Review status: criteria provided, single submitter. Criteria: ACMG Guidelines, 2015. Collection method: not provided. Allele origin: germline. Inheritance: Autosomal recessive inheritance. Affected: yes.

Molecular Genetics Laboratory, London Health Sciences Centre
Classification: Benign for Charcot-Marie-Tooth disease. Review status: criteria provided, single submitter. Criteria: ACMG Guidelines, 2015. Collection method: clinical testing. Allele origin: germline. Affected: yes.

NM_030962.4(SBF2):c.4933-15T>C

Genes: SBF2 (SET binding factor 2; minus strand), SBF2-AS1 (SBF2 antisense RNA 1; plus strand), LOC105369149 (uncharacterized LOC105369149; plus strand). Cytogenetic location: 11p15.4.
Variant type: single nucleotide variant.
Coding change: c.4933-15T>C on transcript NM_030962.4 (MANE Select); 15 bases into the intron before coding-DNA position 4933, T replaced by C.
Molecular consequence: intron variant.
Genome position (GRCh38, 1-based): chr11:9,787,753, A>G on the plus strand (T>C on the coding strand, the complement: SBF2 is on the minus strand). VCF-style: chr11-9787753-A-G. GRCh37 (hg19) VCF-style: chr11-9809300-A-G.
Other names: c.4804-15T>C (NM_001386342.1); c.5029-15T>C (NM_001386339.1).
Identifiers: ClinVar variation 138966 (VCV000138966.14), dbSNP rs75447733, ClinGen allele CA293150.